The following is an entry in ClinVar:

NM_001845.6(COL4A1):c.3579C>G (p.Phe1193Leu)

Gene: COL4A1 (collagen type IV alpha 1 chain; minus strand). Cytogenetic location: 13q34.
Variant type: single nucleotide variant.
Coding change: c.3579C>G on transcript NM_001845.6 (MANE Select); coding-DNA position 3579, C replaced by G.
Protein change: p.Phe1193Leu; replaces phenylalanine 1193 with leucine.
Molecular consequence: missense variant.
Genome position (GRCh38, 1-based): chr13:110,170,710, G>C on the plus strand (C>G on the coding strand, the complement: COL4A1 is on the minus strand). VCF-style: chr13-110170710-G-C. GRCh37 (hg19) VCF-style: chr13-110823057-G-C.
Other names: short protein forms F1193L.
Identifiers: ClinVar variation 1686697 (VCV001686697.2), dbSNP rs968106620, ClinGen allele CA388663418.
Genomic context (GRCh38, chr13:110,170,710, plus strand): 5'-ACCCATGAATCCTTGCTCTCCTTTGGATCCAGGAATTCCTGGGCTCCCGGCTAATCCTGG[G>C]AAACCCACCTCACCCTTTGAACCTGAACAAGAAAAACAGTTTGAGGTGATGGGAAACGCA-3'
Protein context (NP_001836.3, residues 1183-1203): GDKGSKGEVG[Phe1193Leu]PGLAGSPGIP

ClinVar aggregate classification (germline): Uncertain significance (1 of 4 stars; one submission).

Submission:

GeneDx
Classification: Uncertain significance. Last evaluated: 2021-11-22. Review status: criteria provided, single submitter. Criteria: GeneDx Variant Classification Process June 2021. Collection method: clinical testing. Allele origin: germline. Affected: yes.
Comment: Not observed at significant frequency in large population cohorts (gnomAD); In silico analysis supports that this missense variant does not alter protein structure/function; Has not been previously published as pathogenic or benign to our knowledge; Occurs in the triple helical domain at the X position in the canonical Gly-X-Y repeat; although this variant may have an effect on normal protein folding and function, missense substitution at the X position is not a common mechanism of disease